The following is an entry in ClinVar:

ClinVar aggregate classification (germline): Likely benign. Review status: criteria provided, multiple submitters, no conflicts (2 of 4 stars). 2 submissions from 2 submitters: Likely benign (2). Last evaluated 2024-12-02.

Conditions:
MKKS-related disorder. Also called: MKKS-related condition; MKKS-related disorders.
Bardet-Biedl syndrome (BBS). Identifiers: Orphanet 110, MedGen C0752166, MONDO:0015229.
McKusick-Kaufman syndrome (MKKS). Also called: HYDROMETROCOLPOS SYNDROME; HYDROMETROCOLPOS, POSTAXIAL POLYDACTYLY, AND CONGENITAL HEART MALFORMATION. Identifiers: Orphanet 2473, MedGen C0948368, MONDO:0009367, OMIM 236700.

Allele frequency attached by ClinVar (database versions not stated): gnomAD exomes below 0.00001 and 0.00001; ExAC 0.00001.

Submissions (2):

PreventionGenetics, part of Exact Sciences
Classification: Likely benign for MKKS-related condition. Last evaluated: 2024-12-02. Review status: criteria provided, single submitter. Criteria: ACMG Guidelines, 2015. Collection method: clinical testing. Allele origin: germline.
Comment: This variant is classified as likely benign based on ACMG/AMP sequence variant interpretation guidelines (Richards et al. 2015 PMID: 25741868, with internal and published modifications).

Labcorp Genetics (formerly Invitae), Labcorp
Classification: Likely benign for McKusick-Kaufman syndrome; Bardet-Biedl syndrome. Last evaluated: 2023-07-10. Review status: criteria provided, single submitter. Criteria: Invitae Variant Classification Sherloc (09022015). Collection method: clinical testing. Allele origin: germline.

NM_170784.3(MKKS):c.1104A>G (p.Ala368=)

Gene: MKKS (MKKS centrosomal shuttling protein; minus strand). Cytogenetic location: 20p12.2.
Variant type: single nucleotide variant.
Coding change: c.1104A>G on transcript NM_170784.3 (MANE Select); coding-DNA position 1104, A replaced by G.
Protein change: p.Ala368=; no amino-acid change (alanine 368 retained).
Molecular consequence: synonymous variant. On other transcripts: non-coding transcript variant (1).
Genome position (GRCh38, 1-based): chr20:10,408,685, T>C on the plus strand (A>G on the coding strand, the complement: MKKS is on the minus strand). VCF-style: chr20-10408685-T-C. GRCh37 (hg19) VCF-style: chr20-10389333-T-C.
Other names: c.1104A>G, p.Ala368= (NM_018848.3).
Identifiers: ClinVar variation 1545116 (VCV001545116.9), dbSNP rs752192391, ClinGen allele CA9763561.